The following is an entry in ClinVar:

NM_021224.6(ZNF462):c.4573A>G (p.Thr1525Ala)

Gene: ZNF462 (zinc finger protein 462; plus strand). Cytogenetic location: 9q31.2.
Variant type: single nucleotide variant.
Coding change: c.4573A>G on transcript NM_021224.6 (MANE Select); coding-DNA position 4573, A replaced by G.
Protein change: p.Thr1525Ala; replaces threonine 1525 with alanine.
Molecular consequence: missense variant. On other transcripts: intron variant (1).
Genome position (GRCh38, 1-based): chr9:106,928,485, A>G. VCF-style: chr9-106928485-A-G. GRCh37 (hg19) VCF-style: chr9-109690766-A-G.
Other names: c.3252+1321A>G (NM_001347997.2); short protein forms T1525A.
Identifiers: ClinVar variation 3769718 (VCV003769718.1).

ClinVar aggregate classification (germline): Uncertain significance (1 of 4 stars; one submission).

Submission:

GeneDx
Classification: Uncertain significance. Last evaluated: 2024-09-17. Review status: criteria provided, single submitter. Criteria: GeneDx Variant Classification Process June 2021. Collection method: clinical testing. Allele origin: germline. Affected: yes.
Comment: Not observed at significant frequency in large population cohorts (gnomAD); In silico analysis indicates that this missense variant does not alter protein structure/function; Has not been previously published as pathogenic or benign to our knowledge